The following is an entry in ClinVar:

ClinVar aggregate classification (germline): Uncertain significance (1 of 4 stars; one submission).

Submission:

GeneDx
Classification: Uncertain significance. Last evaluated: 2026-10-09. Review status: criteria provided, single submitter. Criteria: GeneDx Variant Classification Process June 2021. Collection method: clinical testing. Allele origin: germline.
Comment: Not observed at significant frequency in large population cohorts (gnomAD); In silico analysis supports that this missense variant has a deleterious effect on protein structure/function; Has not been previously published as pathogenic or benign to our knowledge

NM_003120.3(SPI1):c.698G>A (p.Arg233His)

Gene: SPI1 (Spi-1 proto-oncogene; minus strand). Cytogenetic location: 11p11.2.
Variant type: single nucleotide variant.
Coding change: c.698G>A on transcript NM_003120.3 (MANE Select); coding-DNA position 698, G replaced by A.
Protein change: p.Arg233His; replaces arginine 233 with histidine.
Molecular consequence: missense variant.
Genome position (GRCh38, 1-based): chr11:47,355,342, C>T on the plus strand (G>A on the coding strand, the complement: SPI1 is on the minus strand). VCF-style: chr11-47355342-C-T. GRCh37 (hg19) VCF-style: chr11-47376893-C-T.
Other names: c.701G>A, p.Arg234His (NM_001080547.2); short protein forms R233H, R234H.
Identifiers: ClinVar variation 4686336 (VCV004686336.2).